The following is an entry in ClinVar:

ClinVar aggregate classification (germline): Uncertain significance (1 of 4 stars; one submission).

Submission:

Labcorp Genetics (formerly Invitae), Labcorp
Classification: Uncertain significance. Last evaluated: 2025-08-28. Review status: criteria provided, single submitter. Criteria: Invitae Variant Classification Sherloc (09022015). Collection method: clinical testing. Allele origin: germline.
Comment: This sequence change falls in intron 5 of the EPAS1 gene. It does not directly change the encoded amino acid sequence of the EPAS1 protein. It affects a nucleotide within the consensus splice site. This variant is not present in population databases (gnomAD no frequency). This variant has not been reported in the literature in individuals affected with EPAS1-related conditions. Variants that disrupt the consensus splice site are a relatively common cause of aberrant splicing (PMID: 17576681, 9536098). Algorithms developed to predict the effect of sequence changes on RNA splicing suggest that this variant is not likely to affect RNA splicing. In summary, the available evidence is currently insufficient to determine the role of this variant in disease. Therefore, it has been classified as a Variant of Uncertain Significance.

Literature cited by the submitters: PubMed 17576681; PubMed 9536098.

NM_001430.5(EPAS1):c.573+6G>T

Genes: EPAS1 (endothelial PAS domain protein 1; plus strand), LOC126806210 (BRD4-independent group 4 enhancer GRCh37_chr2:46587586-46588785; plus strand). Cytogenetic location: 2p21.
Variant type: single nucleotide variant.
Coding change: c.573+6G>T on transcript NM_001430.5 (MANE Select); 6 bases into the intron after coding-DNA position 573, G replaced by T.
Molecular consequence: intron variant.
Genome position (GRCh38, 1-based): chr2:46,360,762, G>T. VCF-style: chr2-46360762-G-T. GRCh37 (hg19) VCF-style: chr2-46587901-G-T.
Identifiers: ClinVar variation 4769709 (VCV004769709.1).